The following is an entry in ClinVar:

ClinVar aggregate classification (germline): Pathogenic (1 of 4 stars; one submission).

Conditions:
Neurofibromatosis, type 1 (NF1). Also called: Peripheral type neurofibromatosis; Neurofibromatosis, type I; VON RECKLINGHAUSEN DISEASE; NEUROFIBROMATOSIS, TYPE I, SOMATIC. Identifiers: Orphanet 636, MedGen C0027831, MONDO:0018975, OMIM 162200. Disease mechanism: loss of function.

Submission:

Labcorp Genetics (formerly Invitae), Labcorp
Classification: Pathogenic for Neurofibromatosis, type 1. Last evaluated: 2024-06-04. Review status: criteria provided, single submitter. Criteria: Invitae Variant Classification Sherloc (09022015). Collection method: clinical testing. Allele origin: germline.
Comment: This sequence change creates a premature translational stop signal (p.Ser2528*) in the NF1 gene. It is expected to result in an absent or disrupted protein product. Loss-of-function variants in NF1 are known to be pathogenic (PMID: 10712197, 23913538). This variant is not present in population databases (gnomAD no frequency). This variant has not been reported in the literature in individuals affected with NF1-related conditions. ClinVar contains an entry for this variant (Variation ID: 837583). Algorithms developed to predict the effect of sequence changes on RNA splicing suggest that this variant may disrupt the consensus splice site. For these reasons, this variant has been classified as Pathogenic.

Literature cited by the submitters: PubMed 10712197; PubMed 23913538.

NM_001042492.3(NF1):c.7646C>A (p.Ser2549Ter)

Gene: NF1 (neurofibromin 1; plus strand). Cytogenetic location: 17q11.2.
Variant type: single nucleotide variant.
Coding change: c.7646C>A on transcript NM_001042492.3 (MANE Select); coding-DNA position 7646, C replaced by A.
Protein change: p.Ser2549Ter; replaces serine 2549 with a stop codon.
Molecular consequence: nonsense.
Genome position (GRCh38, 1-based): chr17:31,356,490, C>A. VCF-style: chr17-31356490-C-A. GRCh37 (hg19) VCF-style: chr17-29683508-C-A.
Other names: c.7583C>A, p.Ser2528Ter (NM_000267.4); short protein forms S2528*, S2549*.
Identifiers: ClinVar variation 837583 (VCV000837583.6), dbSNP rs2070273520, ClinGen allele CA399018038.